The following is an entry in ClinVar:

ClinVar aggregate classification (germline): Uncertain significance (1 of 4 stars; one submission).

gnomAD v4.1: 1 of 1,613,970 alleles (0.000062%); no homozygotes.

Submission:

Labcorp Genetics (formerly Invitae), Labcorp
Classification: Uncertain significance. Last evaluated: 2022-11-08. Review status: criteria provided, single submitter. Criteria: Invitae Variant Classification Sherloc (09022015). Collection method: clinical testing. Allele origin: germline.
Comment: In summary, the available evidence is currently insufficient to determine the role of this variant in disease. Therefore, it has been classified as a Variant of Uncertain Significance. Advanced modeling of protein sequence and biophysical properties (such as structural, functional, and spatial information, amino acid conservation, physicochemical variation, residue mobility, and thermodynamic stability) performed at Invitae indicates that this missense variant is not expected to disrupt PNPT1 protein function. This variant has not been reported in the literature in individuals affected with PNPT1-related conditions. This variant is not present in population databases (gnomAD no frequency). This sequence change replaces asparagine, which is neutral and polar, with serine, which is neutral and polar, at codon 764 of the PNPT1 protein (p.Asn764Ser).

NM_033109.5(PNPT1):c.2291A>G (p.Asn764Ser)

Gene: PNPT1 (polyribonucleotide nucleotidyltransferase 1; minus strand). Cytogenetic location: 2p16.1.
Variant type: single nucleotide variant.
Coding change: c.2291A>G on transcript NM_033109.5 (MANE Select); coding-DNA position 2291, A replaced by G.
Protein change: p.Asn764Ser; replaces asparagine 764 with serine.
Molecular consequence: missense variant.
Genome position (GRCh38, 1-based): chr2:55,636,298, T>C on the plus strand (A>G on the coding strand, the complement: PNPT1 is on the minus strand). VCF-style: chr2-55636298-T-C. GRCh37 (hg19) VCF-style: chr2-55863433-T-C.
Other names: short protein forms N764S.
Identifiers: ClinVar variation 1989180 (VCV001989180.4), dbSNP rs376543538, ClinGen allele CA346923210.
Genomic context (GRCh38, chr2:55,636,298, plus strand): 5'-CACTGAGAATTAGATGATGACTGTGAAATAGGTTCTCCCATTACAATACTACTTCTGTCA[T>C]TCAAAGTTCTGACCACGGTTGTAGCTGGCGACTGAAGCACTTTTCGAGAAAGCCTCATTC-3'
Protein context (NP_149100.2, residues 754-774): SPATTVVRTL[Asn764Ser]DRSSIVMGEP